The following is an entry in ClinVar:

ClinVar aggregate classification (germline): Likely benign (1 of 4 stars; one submission).

Conditions:
TTC21B-related disorder. Also called: TTC21B-related disorders; TTC21B-related condition.

gnomAD v4.1: 1 of 1,613,770 alleles (0.000062%); highest among the groups gnomAD compares: Non-Finnish European, 0.000085%; no homozygotes.

Submission:

PreventionGenetics, part of Exact Sciences
Classification: Likely benign for TTC21B-related condition. Last evaluated: 2025-05-23. Review status: criteria provided, single submitter. Criteria: ACMG Guidelines, 2015. Collection method: clinical testing. Allele origin: germline.
Comment: This variant is classified as likely benign based on ACMG/AMP sequence variant interpretation guidelines (Richards et al. 2015 PMID: 25741868, with internal and published modifications).

NM_024753.5(TTC21B):c.198A>G (p.Lys66=)

Gene: TTC21B (tetratricopeptide repeat domain 21B; minus strand). Cytogenetic location: 2q24.3.
Variant type: single nucleotide variant.
Coding change: c.198A>G on transcript NM_024753.5 (MANE Select); coding-DNA position 198, A replaced by G.
Protein change: p.Lys66=; no amino-acid change (lysine 66 retained).
Molecular consequence: synonymous variant.
Genome position (GRCh38, 1-based): chr2:165,949,458, T>C on the plus strand (A>G on the coding strand, the complement: TTC21B is on the minus strand). VCF-style: chr2-165949458-T-C. GRCh37 (hg19) VCF-style: chr2-166805968-T-C.
Identifiers: ClinVar variation 5000208 (VCV005000208.1).
Genomic context (GRCh38, chr2:165,949,458, plus strand): 5'-ATTAGGACTCATTTTATGGGCATATATCAGTGCAAGTAGAGAACAAAGTGATACATCTTG[T>C]TTATTTTTAATAGCCTCAAATTCTCGAAGAGCTTCTTGAGTTTTACCTGAAAATCAAGAT-3'
Protein context (NP_079029.3, residues 56-76): ALREFEAIKN[Lys66=]QDVSLCSLLA